The following is an entry in ClinVar:

NM_000264.5(PTCH1):c.2830C>T (p.His944Tyr)

Gene: PTCH1 (patched 1; minus strand). Cytogenetic location: 9q22.32.
Variant type: single nucleotide variant.
Coding change: c.2830C>T on transcript NM_000264.5 (MANE Select); coding-DNA position 2830, C replaced by T.
Protein change: p.His944Tyr; replaces histidine 944 with tyrosine.
Molecular consequence: missense variant. On other transcripts: non-coding transcript variant (1).
Genome position (GRCh38, 1-based): chr9:95,459,657, G>A on the plus strand (C>T on the coding strand, the complement: PTCH1 is on the minus strand). VCF-style: chr9-95459657-G-A. GRCh37 (hg19) VCF-style: chr9-98221939-G-A.
Other names: c.2632C>T, p.His878Tyr (NM_001083602.3); c.2827C>T, p.His943Tyr (NM_001083603.3); c.2377C>T, p.His793Tyr (NM_001083604.3, NM_001083605.3, NM_001083606.3 and 1 more transcripts); c.2674C>T, p.His892Tyr (NM_001354918.2); short protein forms H793Y, H892Y, H943Y, H878Y, H944Y.
Identifiers: ClinVar variation 821871 (VCV000821871.17), dbSNP rs1588544426, ClinGen allele CA374112991.

ClinVar aggregate classification (germline): Uncertain significance. Review status: criteria provided, multiple submitters, no conflicts (2 of 4 stars). 2 submissions from 2 submitters: Uncertain significance (2). Last evaluated 2025-11-09.

Conditions:
Hereditary cancer-predisposing syndrome. Also called: Hereditary Cancer Syndrome; Neoplastic Syndromes, Hereditary; Hereditary neoplastic syndrome; Tumor predisposition. Identifiers: Orphanet 140162, MedGen C0027672, MeSH D009386, MONDO:0015356.
Gorlin syndrome. Also called: Nevoid Basal Cell Carcinoma Syndrome; Basal cell nevus syndrome. Identifiers: Orphanet 377, MedGen C0004779, MONDO:0007187.

Allele frequency attached by ClinVar (database versions not stated): gnomAD exomes below 0.00001.
gnomAD v4.1: 1 of 1,614,176 alleles (0.000062%); highest among the groups gnomAD compares: African/African-American, 0.0013%; no homozygotes.

Submissions (2):

Ambry Genetics
Classification: Uncertain significance for Hereditary cancer-predisposing syndrome. Last evaluated: 2025-11-09. Review status: criteria provided, single submitter. Criteria: Ambry Variant Classification Scheme 2023. Collection method: clinical testing. Allele origin: germline.
Comment: The p.H944Y variant (also known as c.2830C>T), located in coding exon 17 of the PTCH1 gene, results from a C to T substitution at nucleotide position 2830. The histidine at codon 944 is replaced by tyrosine, an amino acid with similar properties. This amino acid position is well conserved in available vertebrate species. In addition, this alteration is predicted to be deleterious by in silico analysis. Since supporting evidence is limited at this time, the clinical significance of this alteration remains unclear.

Labcorp Genetics (formerly Invitae), Labcorp
Classification: Uncertain significance for Gorlin syndrome. Last evaluated: 2024-04-10. Review status: criteria provided, single submitter. Criteria: Invitae Variant Classification Sherloc (09022015). Collection method: clinical testing. Allele origin: germline.
Comment: This sequence change replaces histidine, which is basic and polar, with tyrosine, which is neutral and polar, at codon 944 of the PTCH1 protein (p.His944Tyr). This variant is not present in population databases (gnomAD no frequency). This variant has not been reported in the literature in individuals affected with PTCH1-related conditions. ClinVar contains an entry for this variant (Variation ID: 821871). Advanced modeling of protein sequence and biophysical properties (such as structural, functional, and spatial information, amino acid conservation, physicochemical variation, residue mobility, and thermodynamic stability) performed at Invitae indicates that this missense variant is not expected to disrupt PTCH1 protein function with a negative predictive value of 95%. In summary, the available evidence is currently insufficient to determine the role of this variant in disease. Therefore, it has been classified as a Variant of Uncertain Significance.